The following is an entry in ClinVar:

NM_021224.6(ZNF462):c.5954A>C (p.Asn1985Thr)

Gene: ZNF462 (zinc finger protein 462; plus strand). Cytogenetic location: 9q31.2.
Variant type: single nucleotide variant.
Coding change: c.5954A>C on transcript NM_021224.6 (MANE Select); coding-DNA position 5954, A replaced by C.
Protein change: p.Asn1985Thr; replaces asparagine 1985 with threonine.
Molecular consequence: missense variant.
Genome position (GRCh38, 1-based): chr9:106,930,631, A>C. VCF-style: chr9-106930631-A-C. GRCh37 (hg19) VCF-style: chr9-109692912-A-C.
Other names: c.3359A>C, p.Asn1120Thr (NM_001347997.2); short protein forms N1120T, N1985T.
Identifiers: ClinVar variation 3361634 (VCV003361634.1).

ClinVar aggregate classification (germline): Uncertain significance (1 of 4 stars; one submission).

Submission:

GeneDx
Classification: Uncertain significance. Last evaluated: 2023-08-02. Review status: criteria provided, single submitter. Criteria: GeneDx Variant Classification Process June 2021. Collection method: clinical testing. Allele origin: germline. Affected: yes.
Comment: Not observed at significant frequency in large population cohorts (gnomAD); In silico analysis supports that this missense variant does not alter protein structure/function; Has not been previously published as pathogenic or benign to our knowledge